The following is an entry in ClinVar:

NM_001918.5(DBT):c.*9082C>T

Gene: DBT (dihydrolipoamide branched chain transacylase E2; minus strand). Cytogenetic location: 1p21.2.
Variant type: single nucleotide variant.
Coding change: c.*9082C>T on transcript NM_001918.5 (MANE Select); 9082 bases downstream of the stop codon, C replaced by T.
Molecular consequence: 3 prime UTR variant.
Genome position (GRCh38, 1-based): chr1:100,187,173, G>A on the plus strand (C>T on the coding strand, the complement: DBT is on the minus strand). VCF-style: chr1-100187173-G-A. GRCh37 (hg19) VCF-style: chr1-100652729-G-A.
Identifiers: ClinVar variation 291375 (VCV000291375.10), dbSNP rs72728160, ClinGen allele CA10607111.

ClinVar aggregate classification (germline): Benign. Review status: criteria provided, multiple submitters, no conflicts (2 of 4 stars). 4 submissions from 4 submitters: Benign (4). Last evaluated 2023-04-11.

Conditions:
Maple syrup urine disease (MSUD). Identifiers: Orphanet 511, MedGen C0024776, MeSH D008375, MONDO:0009563. Disease mechanism: loss of function.

Allele frequency attached by ClinVar (database versions not stated): 1000 Genomes Project 0.05771; 1000 Genomes Project 30x 0.05824; TOPMed 0.11322; gnomAD 0.11636 and 0.12046.

Submissions (4):

Genome-Nilou Lab
Classification: Benign for Maple syrup urine disease type 1A. Last evaluated: 2023-04-11. Review status: criteria provided, single submitter. Criteria: ACMG Guidelines, 2015. Collection method: clinical testing. Allele origin: germline. Affected: no.

GeneDx
Classification: Benign. Last evaluated: 2018-06-18. Review status: criteria provided, single submitter. Criteria: GeneDx Variant Classification Process June 2021. Collection method: clinical testing. Allele origin: germline. Affected: yes.

Illumina Laboratory Services, Illumina
Classification: Benign for Maple syrup urine disease type 1A. Last evaluated: 2018-01-12. Review status: criteria provided, single submitter. Criteria: ICSL Variant Classification Criteria 13 December 2019. Collection method: clinical testing. Allele origin: germline.
Comment: This variant was observed in the ICSL laboratory as part of a predisposition screen in an ostensibly healthy population. It had not been previously curated by ICSL or reported in the Human Gene Mutation Database (HGMD: prior to June 1st, 2018), and was therefore a candidate for classification through an automated scoring system. Utilizing variant allele frequency, disease prevalence and penetrance estimates, and inheritance mode, an automated score was calculated to assess if this variant is too frequent to cause the disease. Based on the score and internal cut-off values, a variant classified as benign is not then subjected to further curation. The score for this variant resulted in a classification of benign for this disease.

Breakthrough Genomics
Classification: Benign. Review status: criteria provided, single submitter. Criteria: ACMG Guidelines, 2015. Collection method: not provided. Allele origin: germline. Inheritance: Autosomal recessive inheritance. Affected: yes.